The following is an entry in ClinVar:

ClinVar aggregate classification (germline): Uncertain significance (1 of 4 stars; one submission).

Submission:

Labcorp Genetics (formerly Invitae), Labcorp
Classification: Uncertain significance. Last evaluated: 2022-01-31. Review status: criteria provided, single submitter. Criteria: Invitae Variant Classification Sherloc (09022015). Collection method: clinical testing. Allele origin: germline.
Comment: This sequence change replaces proline, which is neutral and non-polar, with alanine, which is neutral and non-polar, at codon 1560 of the COL11A2 protein (p.Pro1560Ala). This variant is not present in population databases (gnomAD no frequency). This variant has not been reported in the literature in individuals affected with COL11A2-related conditions. Algorithms developed to predict the effect of missense changes on protein structure and function are either unavailable or do not agree on the potential impact of this missense change (SIFT: "Deleterious"; PolyPhen-2: "Not Available"; Align-GVGD: "Class C25"). In summary, the available evidence is currently insufficient to determine the role of this variant in disease. Therefore, it has been classified as a Variant of Uncertain Significance.

NM_080680.3(COL11A2):c.4678C>G (p.Pro1560Ala)

Gene: COL11A2 (collagen type XI alpha 2 chain; minus strand). Cytogenetic location: 6p21.32.
Variant type: single nucleotide variant.
Coding change: c.4678C>G on transcript NM_080680.3 (MANE Select); coding-DNA position 4678, C replaced by G.
Protein change: p.Pro1560Ala; replaces proline 1560 with alanine.
Molecular consequence: missense variant.
Genome position (GRCh38, 1-based): chr6:33,165,621, G>C on the plus strand (C>G on the coding strand, the complement: COL11A2 is on the minus strand). VCF-style: chr6-33165621-G-C. GRCh37 (hg19) VCF-style: chr6-33133398-G-C.
Other names: c.4357C>G, p.Pro1453Ala (NM_080679.3); c.4420C>G, p.Pro1474Ala (NM_080681.3); short protein forms P1474A, P1453A, P1560A.
Identifiers: ClinVar variation 2091178 (VCV002091178.1), dbSNP rs1170498998, ClinGen allele CA363618458.